The following is an entry in ClinVar:

NM_001042492.3(NF1):c.1743C>G (p.Ile581Met)

Gene: NF1 (neurofibromin 1; plus strand). Cytogenetic location: 17q11.2.
Variant type: single nucleotide variant.
Coding change: c.1743C>G on transcript NM_001042492.3 (MANE Select); coding-DNA position 1743, C replaced by G.
Protein change: p.Ile581Met; replaces isoleucine 581 with methionine.
Molecular consequence: missense variant.
Genome position (GRCh38, 1-based): chr17:31,223,465, C>G. VCF-style: chr17-31223465-C-G. GRCh37 (hg19) VCF-style: chr17-29550483-C-G.
Other names: c.1743C>G, p.Ile581Met (NM_000267.4); short protein forms I581M.
Identifiers: ClinVar variation 2862405 (VCV002862405.3), dbSNP rs2144015866, ClinGen allele CA399004072.
Genomic context (GRCh38, chr17:31,223,465, plus strand): 5'-TTGATGATGCTAGTAACAATGAACTTTATGTTACTGCAGCTCACAAATGCTTTTTTACAT[C>G]TGCAAGAAATTAACTAGTCATCAAATGCTTAGTAGCACAGAAATTCTCAAGTGGTTGCGG-3'
Protein context (NP_001035957.1, residues 571-591): WEISSQMLFY[Ile581Met]CKKLTSHQML

ClinVar aggregate classification (germline): Uncertain significance (1 of 4 stars; one submission).

Conditions:
Neurofibromatosis, type 1 (NF1). Also called: Neurofibromatosis, type I; NEUROFIBROMATOSIS, TYPE I, SOMATIC; Peripheral type neurofibromatosis; VON RECKLINGHAUSEN DISEASE. Identifiers: Orphanet 636, MedGen C0027831, MONDO:0018975, OMIM 162200. Disease mechanism: loss of function.

Submission:

Labcorp Genetics (formerly Invitae), Labcorp
Classification: Uncertain significance for Neurofibromatosis, type 1. Last evaluated: 2025-10-18. Review status: criteria provided, single submitter. Criteria: Invitae Variant Classification Sherloc (09022015). Collection method: clinical testing. Allele origin: germline.
Comment: This sequence change replaces isoleucine, which is neutral and non-polar, with methionine, which is neutral and non-polar, at codon 581 of the NF1 protein (p.Ile581Met). This variant is not present in population databases (gnomAD no frequency). This variant has not been reported in the literature in individuals affected with NF1-related conditions. ClinVar contains an entry for this variant (Variation ID: 2862405). Invitae Evidence Modeling of protein sequence and biophysical properties (such as structural, functional, and spatial information, amino acid conservation, physicochemical variation, residue mobility, and thermodynamic stability) has been performed for this missense variant. However, the output from this modeling did not meet the statistical confidence thresholds required to predict the impact of this variant on NF1 protein function. RNA analysis performed to evaluate the impact of this missense change on mRNA splicing indicates it does not significantly alter splicing (internal data). In summary, the available evidence is currently insufficient to determine the role of this variant in disease. Therefore, it has been classified as a Variant of Uncertain Significance.